The following is an entry in ClinVar:

ClinVar aggregate classification (germline): Uncertain significance (1 of 4 stars; one submission).

Conditions:
Ataxia-telangiectasia syndrome (AT). Also called: Ataxia-telangiectasia; LOUIS-BAR SYNDROME; Ataxia-telangiectasia, complementation group D; AT, COMPLEMENTATION GROUP C; ATAXIA-TELANGIECTASIA, COMPLEMENTATION GROUP A; ATAXIA-TELANGIECTASIA, FRESNO VARIANT. Identifiers: Orphanet 100, MedGen C0004135, MONDO:0008840, OMIM 208900.

Submission:

Labcorp Genetics (formerly Invitae), Labcorp
Classification: Uncertain significance for Ataxia-telangiectasia syndrome. Last evaluated: 2025-11-27. Review status: criteria provided, single submitter. Criteria: Invitae Variant Classification Sherloc (09022015). Collection method: clinical testing. Allele origin: germline.
Comment: This sequence change falls in intron 59 of the ATM gene. It does not directly change the encoded amino acid sequence of the ATM protein. It affects a nucleotide within the consensus splice site. This variant is not present in population databases (gnomAD no frequency). This variant has not been reported in the literature in individuals affected with ATM-related conditions. ClinVar contains an entry for this variant (Variation ID: 1377923). Variants that disrupt the consensus splice site are a relatively common cause of aberrant splicing (PMID: 17576681, 9536098). Algorithms developed to predict the effect of sequence changes on RNA splicing suggest that this variant is not likely to affect RNA splicing. In summary, the available evidence is currently insufficient to determine the role of this variant in disease. Therefore, it has been classified as a Variant of Uncertain Significance.

Literature cited by the submitters: PubMed 17576681; PubMed 9536098.

NM_000051.4(ATM):c.8671+6T>G

Genes: ATM (ATM serine/threonine kinase; plus strand), C11orf65 (chromosome 11 open reading frame 65; minus strand). Cytogenetic location: 11q22.3.
Variant type: single nucleotide variant.
Coding change: c.8671+6T>G on transcript NM_000051.4 (MANE Select); 6 bases into the intron after coding-DNA position 8671, T replaced by G.
Molecular consequence: intron variant.
Genome position (GRCh38, 1-based): chr11:108,347,371, T>G. VCF-style: chr11-108347371-T-G. GRCh37 (hg19) VCF-style: chr11-108218098-T-G.
Other names: c.8671+6T>G (NM_001351834.2); c.641-38300A>C (NM_001330368.2); c.695-12079A>C (NM_001351110.2).
Identifiers: ClinVar variation 1377923 (VCV001377923.7), dbSNP rs2088568547, ClinGen allele CA2573146522.
Genomic context (GRCh38, chr11:108,347,371, plus strand): 5'-GTACAGAATATCTTGATAAATGAGCAGTCAGCAGAACTTGTACATATAGATCTAGGTAAG[T>G]AATAAAATCTATGTATCTATTCTTTTTAGTAAATATTTGGTCATCATGGAATGTTGTTTG-3'